The following is an entry in ClinVar:

NM_001366110.1(PAX4):c.543A>G (p.Gln181=)

Gene: PAX4 (paired box 4; minus strand). Cytogenetic location: 7q32.1.
Variant type: single nucleotide variant.
Coding change: c.543A>G on transcript NM_001366110.1 (MANE Select); coding-DNA position 543, A replaced by G.
Protein change: p.Gln181=; no amino-acid change (glutamine 181 retained).
Molecular consequence: synonymous variant.
Genome position (GRCh38, 1-based): chr7:127,613,775, T>C on the plus strand (A>G on the coding strand, the complement: PAX4 is on the minus strand). VCF-style: chr7-127613775-T-C. GRCh37 (hg19) VCF-style: chr7-127253829-T-C.
Other names: NM_006193.2:c.519A>G; c.543A>G, p.Gln181= (NM_001366111.1).
Identifiers: ClinVar variation 129877 (VCV000129877.21), dbSNP rs327517, ClinGen allele CA154223.

ClinVar aggregate classification (germline): Benign/Likely benign. Review status: criteria provided, multiple submitters, no conflicts (2 of 4 stars). 6 submissions from 6 submitters: Benign (4); Likely benign (1). 1 of the submissions does not count toward it. Last evaluated 2026-02-01.

Allele frequency attached by ClinVar (database versions not stated): gnomAD exomes 0.00750 and 0.02184; ExAC 0.02370; gnomAD 0.05347 and 0.05634; ESP Exome Variant Server 0.05836; TOPMed 0.06241; 1000 Genomes Project 0.06709; 1000 Genomes Project 30x 0.06996.
gnomAD v4.1: 19,536 of 1,613,910 alleles (1.2%); highest among the groups gnomAD compares: African/African-American, 17%; 1,216 homozygotes.

Submissions (7):

Labcorp Genetics (formerly Invitae), Labcorp
Classification: Benign. Last evaluated: 2026-02-01. Review status: criteria provided, single submitter. Criteria: Invitae Variant Classification Sherloc (09022015). Collection method: clinical testing. Allele origin: germline.

Blueprint Genetics
Classification: Benign. Last evaluated: 2024-11-27. Review status: criteria provided, single submitter. Criteria: ACMG Guidelines, 2015. Collection method: clinical testing. Allele origin: germline.

GeneDx
Classification: Benign. Last evaluated: 2018-09-29. Review status: criteria provided, single submitter. Criteria: GeneDx Variant Classification Process June 2021. Collection method: clinical testing. Allele origin: germline. Affected: yes.

Breakthrough Genomics
Classification: Likely benign. Review status: criteria provided, single submitter. Criteria: ACMG Guidelines, 2015. Collection method: not provided. Allele origin: germline. Inheritance: Autosomal dominant inheritance. Affected: yes.

PreventionGenetics, part of Exact Sciences
Classification: Benign. Review status: criteria provided, single submitter. Criteria: ACMG Guidelines, 2015. Collection method: clinical testing. Allele origin: germline.

Dr. Peter K. Rogan Lab, Western University
No classification provided (evidence only). Condition: Clear cell carcinoma of kidney. Review status: no classification provided. Collection method: in vitro. Allele origin: not applicable. Functional consequence: retained intron. Not counted in ClinVar's aggregate classification.

Genetic Services Laboratory, University of Chicago
Classification: Likely benign for AllHighlyPenetrant. Review status: no assertion criteria provided. Collection method: clinical testing. Allele origin: germline. Inheritance: Autosomal dominant inheritance. Not counted in ClinVar's aggregate classification.
Comment: Likely benign based on allele frequency in 1000 Genomes Project or ESP global frequency and its presence in a patient with a rare or unrelated disease phenotype. NOT Sanger confirmed.